The following is an entry in ClinVar:

NM_138694.4(PKHD1):c.926G>C (p.Cys309Ser)

Gene: PKHD1 (PKHD1 ciliary IPT domain containing fibrocystin/polyductin; minus strand). Cytogenetic location: 6p12.2.
Variant type: single nucleotide variant.
Coding change: c.926G>C on transcript NM_138694.4 (MANE Select); coding-DNA position 926, G replaced by C.
Protein change: p.Cys309Ser; replaces cysteine 309 with serine.
Molecular consequence: missense variant.
Genome position (GRCh38, 1-based): chr6:52,065,005, C>G on the plus strand (G>C on the coding strand, the complement: PKHD1 is on the minus strand). VCF-style: chr6-52065005-C-G. GRCh37 (hg19) VCF-style: chr6-51929803-C-G.
Other names: c.926G>C, p.Cys309Ser (NM_170724.3); short protein forms C309S.
Identifiers: ClinVar variation 3066380 (VCV003066380.1), dbSNP rs1351637115, ClinGen allele CA364429557.

ClinVar aggregate classification (germline): Uncertain significance (1 of 4 stars; one submission).

Conditions:
Polycystic kidney disease 4 (PKD4). Also called: POLYCYSTIC KIDNEY DISEASE 4 WITH OR WITHOUT POLYCYSTIC LIVER DISEASE; PKD3; POLYCYSTIC KIDNEY AND HEPATIC DISEASE 1; POLYCYSTIC KIDNEY DISEASE, INFANTILE, TYPE I; Autosomal Recessive Polycystic Kidney Disease – PKHD1. Identifiers: MedGen C4540575, MONDO:0033004, OMIM 263200.

gnomAD v4.1: 8 of 1,603,212 alleles (0.0005%); highest among the groups gnomAD compares: Non-Finnish European, 0.00068%; no homozygotes.

Submission:

MVZ Medizinische Genetik Mainz
Classification: Uncertain significance for Polycystic kidney disease 4. Last evaluated: 2022-04-13. Review status: criteria provided, single submitter. Criteria: UK Practice Guidelines For Variant Classification V4 01 2020. Collection method: clinical testing. Allele origin: germline. Inheritance: Autosomal recessive inheritance. Affected: yes. Observed: 1 variant allele.
Comment: ACMG Criteria: PM2_SUP, PP3 (ACMG Version 3)